The following is an entry in ClinVar:

ClinVar aggregate classification (germline): Conflicting classifications of pathogenicity. Review status: criteria provided, conflicting classifications (1 of 4 stars). 2 submissions from 2 submitters: Pathogenic (1); Likely benign (1). Last evaluated 2023-10-20.

Conditions:
LAMA2-related muscular dystrophy (LAMA2-RD). Also called: Laminin alpha 2-related dystrophy. Identifiers: MedGen C5679788, MONDO:0100228.

Allele frequency attached by ClinVar (database versions not stated): gnomAD exomes below 0.00001; ExAC 0.00001; gnomAD 0.00001; TOPMed 0.00002.
gnomAD v4.1: 6 of 1,558,800 alleles (0.00038%); highest among the groups gnomAD compares: African/African-American, 0.0041%; no homozygotes.

Submissions (2):

Labcorp Genetics (formerly Invitae), Labcorp
Classification: Pathogenic for LAMA2-related muscular dystrophy. Last evaluated: 2023-10-20. Review status: criteria provided, single submitter. Criteria: Invitae Variant Classification Sherloc (09022015). Collection method: clinical testing. Allele origin: germline.
Comment: This sequence change falls in intron 7 of the LAMA2 gene. It does not directly change the encoded amino acid sequence of the LAMA2 protein. It affects a nucleotide within the consensus splice site. This variant is present in population databases (rs772796883, gnomAD 0.0009%). This variant has been observed in individual(s) with clinical features of LAMA2-related conditions and/or congenital muscular dystrophy (PMID: 25663498; Invitae). In at least one individual the data is consistent with being in trans (on the opposite chromosome) from a pathogenic variant. It has also been observed to segregate with disease in related individuals. ClinVar contains an entry for this variant (Variation ID: 856319). Variants that disrupt the consensus splice site are a relatively common cause of aberrant splicing (PMID: 17576681, 9536098). Algorithms developed to predict the effect of sequence changes on RNA splicing suggest that this variant may disrupt the consensus splice site. For these reasons, this variant has been classified as Pathogenic.

GeneDx
Classification: Likely benign. Last evaluated: 2018-12-20. Review status: criteria provided, single submitter. Criteria: GeneDx Variant Classification Process June 2021. Collection method: clinical testing. Allele origin: germline. Affected: yes.
Comment: See Variant Classification Assertion Criteria.

Literature cited by the submitters: PubMed 25663498 (cited by Labcorp Genetics (formerly Invitae), Labcorp); PubMed 17576681 (cited by Labcorp Genetics (formerly Invitae), Labcorp); PubMed 9536098 (cited by Labcorp Genetics (formerly Invitae), Labcorp).

NM_000426.4(LAMA2):c.1027+3A>G

Gene: LAMA2 (laminin subunit alpha 2; plus strand). Cytogenetic location: 6q22.33.
Variant type: single nucleotide variant.
Coding change: c.1027+3A>G on transcript NM_000426.4 (MANE Select); 3 bases into the intron after coding-DNA position 1027, A replaced by G.
Molecular consequence: intron variant.
Genome position (GRCh38, 1-based): chr6:129,149,099, A>G. VCF-style: chr6-129149099-A-G. GRCh37 (hg19) VCF-style: chr6-129470244-A-G.
Other names: c.1027+3A>G (NM_001079823.2).
Identifiers: ClinVar variation 856319 (VCV000856319.9), dbSNP rs772796883, ClinGen allele CA3992495.